The following is an entry in ClinVar:

ClinVar aggregate classification (germline): Uncertain significance. Review status: criteria provided, multiple submitters, no conflicts (2 of 4 stars). 2 submissions from 2 submitters: Uncertain significance (2). Last evaluated 2025-04-12.

Conditions:
Glycogen storage disease due to muscle and heart glycogen synthase deficiency. Also called: GSD 0b; MUSCLE GLYCOGEN SYNTHASE DEFICIENCY. Identifiers: Orphanet 137625, MedGen C1969054, MONDO:0012693, OMIM 611556.
Inborn genetic diseases. Identifiers: MedGen C0950123, MeSH D030342.

Allele frequency attached by ClinVar (database versions not stated): gnomAD exomes 0.00001; TOPMed 0.00001; gnomAD 0.00003.
gnomAD v4.1: 15 of 1,564,234 alleles (0.00096%); highest among the groups gnomAD compares: South Asian, 0.0012%; no homozygotes.

Submissions (2):

Ambry Genetics
Classification: Uncertain significance for Inborn genetic diseases. Last evaluated: 2025-04-12. Review status: criteria provided, single submitter. Criteria: Ambry Variant Classification Scheme 2023. Collection method: clinical testing. Allele origin: germline.

Labcorp Genetics (formerly Invitae), Labcorp
Classification: Uncertain significance for Glycogen storage disease due to muscle and heart glycogen synthase deficiency. Last evaluated: 2022-05-25. Review status: criteria provided, single submitter. Criteria: Invitae Variant Classification Sherloc (09022015). Collection method: clinical testing. Allele origin: germline.
Comment: This sequence change replaces serine, which is neutral and polar, with phenylalanine, which is neutral and non-polar, at codon 702 of the GYS1 protein (p.Ser702Phe). This variant is present in population databases (no rsID available, gnomAD 0.007%). This variant has not been reported in the literature in individuals affected with GYS1-related conditions. ClinVar contains an entry for this variant (Variation ID: 836504). Algorithms developed to predict the effect of missense changes on protein structure and function are either unavailable or do not agree on the potential impact of this missense change (SIFT: "Deleterious"; PolyPhen-2: "Benign"; Align-GVGD: "Class C0"). In summary, the available evidence is currently insufficient to determine the role of this variant in disease. Therefore, it has been classified as a Variant of Uncertain Significance.

NM_002103.5(GYS1):c.2105C>T (p.Ser702Phe)

Gene: GYS1 (glycogen synthase 1; minus strand). Cytogenetic location: 19q13.33.
Variant type: single nucleotide variant.
Coding change: c.2105C>T on transcript NM_002103.5 (MANE Select); coding-DNA position 2105, C replaced by T.
Protein change: p.Ser702Phe; replaces serine 702 with phenylalanine.
Molecular consequence: missense variant. On other transcripts: non-coding transcript variant (1).
Genome position (GRCh38, 1-based): chr19:48,969,397, G>A on the plus strand (C>T on the coding strand, the complement: GYS1 is on the minus strand). VCF-style: chr19-48969397-G-A. GRCh37 (hg19) VCF-style: chr19-49472654-G-A.
Other names: c.1913C>T, p.Ser638Phe (NM_001161587.2); short protein forms S638F, S702F.
Identifiers: ClinVar variation 836504 (VCV000836504.6), dbSNP rs1375243403, ClinGen allele CA406759208.